The following is an entry in ClinVar:

NM_001130438.3(SPTAN1):c.4164C>G (p.Ile1388Met)

Gene: SPTAN1 (spectrin alpha, non-erythrocytic 1; plus strand). Cytogenetic location: 9q34.11.
Variant type: single nucleotide variant.
Coding change: c.4164C>G on transcript NM_001130438.3 (MANE Select); coding-DNA position 4164, C replaced by G.
Protein change: p.Ile1388Met; replaces isoleucine 1388 with methionine.
Molecular consequence: missense variant.
Genome position (GRCh38, 1-based): chr9:128,607,869, C>G. VCF-style: chr9-128607869-C-G. GRCh37 (hg19) VCF-style: chr9-131370148-C-G.
Other names: c.4164C>G (NM_001130438.2); c.4104C>G, p.Ile1368Met (NM_001195532.2, NM_001363765.2, NM_001375314.2); c.4164C>G, p.Ile1388Met (NM_001363759.2, NM_001375310.1, NM_001375311.2 and 2 more transcripts); c.4200C>G, p.Ile1400Met (NM_001375312.2, NM_001375318.1); short protein forms I1400M, I1368M, I1388M.
Identifiers: ClinVar variation 1388444 (VCV001388444.10), dbSNP rs759713935, ClinGen allele CA375066169.

ClinVar aggregate classification (germline): Uncertain significance. Review status: criteria provided, multiple submitters, no conflicts (2 of 4 stars). 2 submissions from 2 submitters: Uncertain significance (2). Last evaluated 2025-10-15.

Conditions:
Early-infantile DEE. Also called: Ohtahara syndrome; Early infantile epileptic encephalopathy; Early infantile epileptic encephalopathy with suppression bursts. Identifiers: Orphanet 1934, MedGen C0393706, MONDO:0800491.
Inborn genetic diseases. Identifiers: MedGen C0950123, MeSH D030342.

gnomAD v4.1: 1 of 1,613,960 alleles (0.000062%); highest among the groups gnomAD compares: Non-Finnish European, 0.000085%; no homozygotes.

Submissions (2):

Ambry Genetics
Classification: Uncertain significance for Inborn genetic diseases. Last evaluated: 2025-10-15. Review status: criteria provided, single submitter. Criteria: Ambry Variant Classification Scheme 2023. Collection method: clinical testing. Allele origin: germline.

Labcorp Genetics (formerly Invitae), Labcorp
Classification: Uncertain significance for Early-infantile DEE. Last evaluated: 2021-12-30. Review status: criteria provided, single submitter. Criteria: Invitae Variant Classification Sherloc (09022015). Collection method: clinical testing. Allele origin: germline.
Comment: This variant is not present in population databases (gnomAD no frequency). This sequence change replaces isoleucine, which is neutral and non-polar, with methionine, which is neutral and non-polar, at codon 1388 of the SPTAN1 protein (p.Ile1388Met). This variant has not been reported in the literature in individuals affected with SPTAN1-related conditions. Algorithms developed to predict the effect of missense changes on protein structure and function are either unavailable or do not agree on the potential impact of this missense change (SIFT: "Deleterious"; PolyPhen-2: "Possibly Damaging"; Align-GVGD: "Class C0"). In summary, the available evidence is currently insufficient to determine the role of this variant in disease. Therefore, it has been classified as a Variant of Uncertain Significance.